The following is an entry in ClinVar:

NM_000548.5(TSC2):c.1581G>A (p.Leu527=)

Gene: TSC2 (TSC complex subunit 2; plus strand). Cytogenetic location: 16p13.3.
Variant type: single nucleotide variant.
Coding change: c.1581G>A on transcript NM_000548.5 (MANE Select); coding-DNA position 1581, G replaced by A.
Protein change: p.Leu527=; no amino-acid change (leucine 527 retained).
Molecular consequence: synonymous variant. On other transcripts: 5 prime UTR variant (1), non-coding transcript variant (5).
Genome position (GRCh38, 1-based): chr16:2,064,409, G>A. VCF-style: chr16-2064409-G-A. GRCh37 (hg19) VCF-style: chr16-2114410-G-A.
Other names: c.1581G>A, p.Leu527= (NM_001077183.3, NM_001114382.3, NM_001363528.2 and 6 more transcripts); c.1470G>A, p.Leu490= (NM_001318827.2, NM_001406670.1, NM_001406678.1); c.1434G>A, p.Leu478= (NM_001318829.2, NM_001406675.1, NM_001406676.1 and 1 more transcripts); c.981G>A, p.Leu327= (NM_001318831.2, NM_001406680.1, NM_001406682.1 and 6 more transcripts); c.1614G>A, p.Leu538= (NM_001318832.2); c.1671G>A, p.Leu557= (NM_001406667.1, NM_001406668.1); c.1569G>A, p.Leu523= (NM_001406671.1, NM_001406673.1); c.1524G>A, p.Leu508= (NM_001406677.1); and 3 more.
Identifiers: ClinVar variation 2090574 (VCV002090574.5), dbSNP rs2151191739, ClinGen allele CA492963138.

ClinVar aggregate classification (germline): Benign/Likely benign. Review status: criteria provided, multiple submitters, no conflicts (2 of 4 stars). 2 submissions from 2 submitters: Benign (1); Likely benign (1). Last evaluated 2025-05-14.

Conditions:
Tuberous sclerosis 2 (TSC2). Identifiers: Orphanet 805, MedGen C1860707, MONDO:0013199, OMIM 613254.

Submissions (2):

Myriad Genetics, Inc.
Classification: Benign for Tuberous sclerosis 2. Last evaluated: 2025-05-14. Review status: criteria provided, single submitter. Criteria: Myriad Autosomal Dominant, Autosomal Recessive and X-Linked Classification Criteria (2023). Collection method: clinical testing. Allele origin: unknown.
Comment: This variant is considered benign. This variant is a silent/synonymous amino acid change and it is not expected to impact splicing.

Labcorp Genetics (formerly Invitae), Labcorp
Classification: Likely benign for Tuberous sclerosis 2. Last evaluated: 2022-01-27. Review status: criteria provided, single submitter. Criteria: Invitae Variant Classification Sherloc (09022015). Collection method: clinical testing. Allele origin: germline.